The following is an entry in ClinVar:

ClinVar aggregate classification (germline): Uncertain significance (0 of 4 stars; one submission).

Conditions:
KSR2-related disorder. Also called: KSR2-related condition.

Submission:

PreventionGenetics, part of Exact Sciences
Classification: Uncertain significance for KSR2-related condition. Last evaluated: 2024-04-08. Review status: no assertion criteria provided. Collection method: clinical testing. Allele origin: germline.
Comment: The KSR2 c.1288C>A variant is predicted to result in the amino acid substitution p.Leu430Met. To our knowledge, this variant has not been reported in the literature or in a large population database, indicating this variant is rare. At this time, the clinical significance of this variant is uncertain due to the absence of conclusive functional and genetic evidence.

NM_173598.6(KSR2):c.1375C>A (p.Leu459Met)

Gene: KSR2 (kinase suppressor of ras 2; minus strand). Cytogenetic location: 12q24.22.
Variant type: single nucleotide variant.
Coding change: c.1375C>A on transcript NM_173598.6 (MANE Select); coding-DNA position 1375, C replaced by A.
Protein change: p.Leu459Met; replaces leucine 459 with methionine.
Molecular consequence: missense variant.
Genome position (GRCh38, 1-based): chr12:117,558,524, G>T on the plus strand (C>A on the coding strand, the complement: KSR2 is on the minus strand). VCF-style: chr12-117558524-G-T. GRCh37 (hg19) VCF-style: chr12-117996329-G-T.
Other names: short protein forms L459M.
Identifiers: ClinVar variation 3357842 (VCV003357842.1).